The following is an entry in ClinVar:

NC_000023.11:g.101391195C>T

Genes: GLA (galactosidase alpha; minus strand), RPL36A (ribosomal protein L36a; plus strand), RPL36A-HNRNPH2 (RPL36A-HNRNPH2 readthrough; plus strand). Cytogenetic location: Xq22.1.
Variant type: single nucleotide variant.
Molecular consequence: intron variant (on NM_021029.6).
Genome position: GRCh38 VCF-style: chrX-101391195-C-T. GRCh37 (hg19) VCF-style: chrX-100646183-C-T.
Other names: c.3+149C>T (NM_001199973.2, NM_001199974.2, NM_021029.6).
Identifiers: ClinVar variation 3040732 (VCV003040732.2), dbSNP rs187269060, ClinGen allele CA333091319.

ClinVar aggregate classification (germline): Likely benign (0 of 4 stars; one submission).

Conditions:
GLA-related disorder. Also called: GLA-related condition.

Allele frequency attached by ClinVar (database versions not stated): gnomAD exomes 0.00018; 1000 Genomes Project 30x 0.00104; 1000 Genomes Project 0.00132; gnomAD 0.00162; TOPMed 0.00184.
gnomAD v4.1: 302 of 691,333 alleles (0.044%); highest among the groups gnomAD compares: African/African-American, 0.54%; 1 homozygote.

Submission:

PreventionGenetics, part of Exact Sciences
Classification: Likely benign for GLA-related condition. Last evaluated: 2023-10-31. Review status: no assertion criteria provided. Collection method: clinical testing. Allele origin: germline.
Comment: This variant is classified as likely benign based on ACMG/AMP sequence variant interpretation guidelines (Richards et al. 2015 PMID: 25741868, with internal and published modifications).